The following is an entry in ClinVar:

ClinVar aggregate classification (germline): Conflicting classifications of pathogenicity. Review status: criteria provided, conflicting classifications (1 of 4 stars). 7 submissions from 7 submitters: Uncertain significance (6); Likely benign (1). Last evaluated 2026-02-07.

Conditions:
CACNA1A-related disorder. Also called: CACNA1A-related condition.
Inborn genetic diseases. Identifiers: MedGen C0950123, MeSH D030342.
Developmental and epileptic encephalopathy, 42 (DEE42A). Also called: Epileptic encephalopathy, early infantile, 42; DEVELOPMENTAL AND EPILEPTIC ENCEPHALOPATHY 42A; EPILEPTIC ENCEPHALOPATHY, EARLY INFANTILE, 42A. Identifiers: MedGen C4310716, MONDO:0014917, OMIM 617106.
Episodic ataxia type 2 (EA2). Also called: EPISODIC ATAXIA, NYSTAGMUS-ASSOCIATED; ACETAZOLAMIDE-RESPONSIVE HEREDITARY PAROXYSMAL CEREBELLAR ATAXIA; ATAXIA, EPISODIC, WITH NYSTAGMUS; ATAXIA, FAMILIAL PAROXYSMAL; CEREBELLAR ATAXIA, PAROXYSMAL, ACETAZOLAMIDE-RESPONSIVE; CEREBELLOPATHY, HEREDITARY PAROXYSMAL. Identifiers: Orphanet 97, MedGen C1720416, MONDO:0007163, OMIM 108500.
Migraine, familial hemiplegic, 1. Also called: MIGRAINE, FAMILIAL HEMIPLEGIC 1, WITH PROGRESSIVE CEREBELLAR ATAXIA. Identifiers: Orphanet 569, MedGen C1832884, MONDO:0020756, OMIM 141500, MONDO:0007714.
Spinocerebellar ataxia type 6 (SCA6). Identifiers: Orphanet 98758, MedGen C0752124, MONDO:0008457, OMIM 183086.

Allele frequency attached by ClinVar (database versions not stated): TOPMed 0.00001; ExAC 0.00028.
gnomAD v4.1: 22 of 1,466,374 alleles (0.0015%); highest among the groups gnomAD compares: Middle Eastern, 0.057%; no homozygotes.

Submissions (7):

PreventionGenetics, part of Exact Sciences
Classification: Uncertain significance for CACNA1A-related condition. Last evaluated: 2026-02-07. Review status: criteria provided, single submitter. Criteria: ACMG Guidelines, 2015. Collection method: clinical testing. Allele origin: germline.
Comment: The CACNA1A c.2924G>T variant is predicted to result in the amino acid substitution p.Arg975Leu. To our knowledge, this variant has not been reported in the literature. This variant is reported in 0.0036% of alleles in individuals of European (Non-Finnish) descent in gnomAD. At this time, the clinical significance of this variant is uncertain due to the absence of conclusive functional and genetic evidence.

Labcorp Genetics (formerly Invitae), Labcorp
Classification: Uncertain significance for Developmental and epileptic encephalopathy, 42; Episodic ataxia type 2. Last evaluated: 2025-10-07. Review status: criteria provided, single submitter. Criteria: Invitae Variant Classification Sherloc (09022015). Collection method: clinical testing. Allele origin: germline.
Comment: This sequence change replaces arginine, which is basic and polar, with leucine, which is neutral and non-polar, at codon 976 of the CACNA1A protein (p.Arg976Leu). The frequency data for this variant in the population databases is considered unreliable, as metrics indicate poor data quality at this position in the gnomAD database. This variant has not been reported in the literature in individuals affected with CACNA1A-related conditions. ClinVar contains an entry for this variant (Variation ID: 453002). Invitae Evidence Modeling of protein sequence and biophysical properties (such as structural, functional, and spatial information, amino acid conservation, physicochemical variation, residue mobility, and thermodynamic stability) indicates that this missense variant is not expected to disrupt CACNA1A protein function with a negative predictive value of 95%. In summary, the available evidence is currently insufficient to determine the role of this variant in disease. Therefore, it has been classified as a Variant of Uncertain Significance.

Women's Health and Genetics/Laboratory Corporation of America, LabCorp
Classification: Uncertain significance. Last evaluated: 2025-05-02. Review status: criteria provided, single submitter. Criteria: LabCorp Variant Classification Summary - May 2015. Collection method: clinical testing. Allele origin: germline.
Comment: Variant summary: CACNA1A c.2927G>T (p.Arg976Leu) results in a non-conservative amino acid change in the encoded protein sequence. Algorithms developed to predict the effect of missense changes on protein structure and function are either unavailable or do not agree on the potential impact of this missense change. The frequency data for this variant in gnomAD is considered unreliable, as metrics indicate poor data quality at this position. To our knowledge, no occurrence of c.2927G>T in individuals affected with Epileptic Encephalopathy, Early Infantile, 42 and no experimental evidence demonstrating its impact on protein function have been reported. ClinVar contains an entry for this variant (Variation ID: 453002). Based on the evidence outlined above, the variant was classified as uncertain significance.

GeneDx
Classification: Uncertain significance. Last evaluated: 2024-12-12. Review status: criteria provided, single submitter. Criteria: GeneDx Variant Classification Process June 2021. Collection method: clinical testing. Allele origin: germline. Affected: yes.
Comment: Not observed at significant frequency in large population cohorts (gnomAD); In silico analysis supports that this missense variant has a deleterious effect on protein structure/function; Has not been previously published as pathogenic or benign to our knowledge

Ambry Genetics
Classification: Uncertain significance for Inborn genetic diseases. Last evaluated: 2024-08-01. Review status: criteria provided, single submitter. Criteria: Ambry Variant Classification Scheme 2023. Collection method: clinical testing. Allele origin: germline.

Blueprint Genetics
Classification: Likely benign. Last evaluated: 2023-07-13. Review status: criteria provided, single submitter. Criteria: ACMG Guidelines, 2015. Collection method: clinical testing. Allele origin: germline.

Fulgent Genetics
Classification: Uncertain significance for Episodic ataxia type 2; Migraine, familial hemiplegic, 1; Spinocerebellar ataxia type 6; Developmental and epileptic encephalopathy, 42. Last evaluated: 2018-10-31. Review status: criteria provided, single submitter. Criteria: ACMG Guidelines, 2015. Collection method: clinical testing. Allele origin: unknown.

NM_001127222.2(CACNA1A):c.2924G>T (p.Arg975Leu)

Gene: CACNA1A (calcium voltage-gated channel subunit alpha1 A; minus strand). Cytogenetic location: 19p13.13.
Variant type: single nucleotide variant.
Coding change: c.2924G>T on transcript NM_001127222.2 (MANE Select); coding-DNA position 2924, G replaced by T.
Protein change: p.Arg975Leu; replaces arginine 975 with leucine.
Molecular consequence: missense variant.
Genome position (GRCh38, 1-based): chr19:13,298,709, C>A on the plus strand (G>T on the coding strand, the complement: CACNA1A is on the minus strand). VCF-style: chr19-13298709-C-A. GRCh37 (hg19) VCF-style: chr19-13409523-C-A.
Other names: c.2924G>T (NM_001127222.1); c.2936G>T, p.Arg979Leu (NM_000068.4, NM_023035.3); c.2927G>T, p.Arg976Leu (NM_001127221.2, NM_001174080.2); short protein forms R976L, R975L, R979L.
Identifiers: ClinVar variation 453002 (VCV000453002.16), dbSNP rs748418783, ClinGen allele CA9240449.
Genomic context (GRCh38, chr19:13,298,709, plus strand): 5'-CCCTCGCCCTCGCCCTCGCCGCCCCGGGCCGGCCGGCTGCCCTCGCGGTGCCGCGCCCTC[C>A]GCTCCGCCTTGTCCTCCGGACCCTCCTCCCCGGGCCTGCGGTGCGCGCGATGACGTCGAT-3'
Protein context (NP_001120694.1, residues 965-985): GEEGPEDKAE[Arg975Leu]RARHREGSRP